The following is an entry in ClinVar:

NM_001395413.1(POR):c.1714G>A (p.Asp572Asn)

Gene: POR (cytochrome p450 oxidoreductase; plus strand). Cytogenetic location: 7q11.23.
Variant type: single nucleotide variant.
Coding change: c.1714G>A on transcript NM_001395413.1 (MANE Select); coding-DNA position 1714, G replaced by A.
Protein change: p.Asp572Asn; replaces aspartic acid 572 with asparagine.
Molecular consequence: missense variant.
Genome position (GRCh38, 1-based): chr7:75,985,976, G>A. VCF-style: chr7-75985976-G-A. GRCh37 (hg19) VCF-style: chr7-75615294-G-A.
Other names: c.1723G>A, p.Asp575Asn (NM_000941.2, NM_000941.3); c.1714G>A, p.Asp572Asn (NM_001367562.3, NM_001382657.2, NM_001382658.3 and 1 more transcripts); c.1768G>A, p.Asp590Asn (NM_001382655.3); c.1564G>A, p.Asp522Asn (NM_001382662.3); short protein forms D590N, D522N, D572N, D575N.
Identifiers: ClinVar variation 2070867 (VCV002070867.2), dbSNP rs781931877, ClinGen allele CA4304263.

ClinVar aggregate classification (germline): Uncertain significance. Review status: criteria provided, multiple submitters, no conflicts (2 of 4 stars). 2 submissions from 2 submitters: Uncertain significance (2). Last evaluated 2026-08-23.

Conditions:
POR-related disorder. Also called: POR-related condition.
Congenital adrenal hyperplasia due to cytochrome P450 oxidoreductase deficiency. Also called: DISORDERED STEROIDOGENESIS DUE TO POR DEFICIENCY. Identifiers: Orphanet 95699, MedGen C1860042, MONDO:0013310, OMIM 613571.

Allele frequency attached by ClinVar (database versions not stated): gnomAD exomes 0.00002; gnomAD 0.00008; TOPMed 0.00008.
gnomAD v4.1: 43 of 1,584,648 alleles (0.0027%); highest among the groups gnomAD compares: Admixed American, 0.065%; no homozygotes.

Submissions (2):

PreventionGenetics, part of Exact Sciences
Classification: Uncertain significance for POR-related condition. Last evaluated: 2026-08-23. Review status: criteria provided, single submitter. Criteria: ACMG Guidelines, 2015. Collection method: clinical testing. Allele origin: germline.
Comment: The POR c.1723G>A variant is predicted to result in the amino acid substitution p.Asp575Asn. This variant was reported in the compound heterozygous state with another missense variant of uncertain significance in an individual with cytochrome P450 oxidoreductase deficiency (PORD) (Li et al. 2022. PubMed ID: 36619579). This variant is reported in 0.079% of alleles in individuals of Latino descent in gnomAD. At this time, the clinical significance of this variant is uncertain due to the absence of conclusive functional and genetic evidence.

Labcorp Genetics (formerly Invitae), Labcorp
Classification: Uncertain significance for Congenital adrenal hyperplasia due to cytochrome P450 oxidoreductase deficiency. Last evaluated: 2022-03-16. Review status: criteria provided, single submitter. Criteria: Invitae Variant Classification Sherloc (09022015). Collection method: clinical testing. Allele origin: germline.
Comment: This sequence change replaces aspartic acid, which is acidic and polar, with asparagine, which is neutral and polar, at codon 575 of the POR protein (p.Asp575Asn). This variant is present in population databases (rs781931877, gnomAD 0.08%). This variant has not been reported in the literature in individuals affected with POR-related conditions. Algorithms developed to predict the effect of missense changes on protein structure and function are either unavailable or do not agree on the potential impact of this missense change (SIFT: "Deleterious"; PolyPhen-2: "Probably Damaging"; Align-GVGD: "Class C0"). In summary, the available evidence is currently insufficient to determine the role of this variant in disease. Therefore, it has been classified as a Variant of Uncertain Significance.